The following is an entry in ClinVar:

ClinVar aggregate classification (germline): Likely pathogenic. Review status: reviewed by expert panel (3 of 4 stars). 4 submissions from 4 submitters: Likely pathogenic (1). 3 of the submissions do not count toward it. Last evaluated 2023-08-24.

Conditions:
CDH1-related diffuse gastric and lobular breast cancer syndrome. Also called: CDH1-related diffuse gastric and lobular breast cancer. Identifiers: MedGen CN311521, MONDO:0100488.
Blepharocheilodontic syndrome 1 (BCDS1). Identifiers: Orphanet 1997, MedGen C4551988, MONDO:0054740, OMIM 119580.
Hereditary diffuse gastric adenocarcinoma (HDGC). Also called: DIFFUSE GASTRIC AND LOBULAR BREAST CANCER SYNDROME. Identifiers: Orphanet 26106, MedGen C1708349, MONDO:0007648, OMIM 137215.

Submissions (5):

Clingen Gastric Cancer Variant Curation Expert Panel
Classification: Likely pathogenic for CDH1-related diffuse gastric and lobular breast cancer syndrome. Last evaluated: 2023-08-24. Review status: reviewed by expert panel. Criteria: ClinGen CDH1 ACMG Specifications V3.1. Collection method: curation. Allele origin: germline. Inheritance: Autosomal dominant inheritance.
Comment: The c.1320+1G>C variant occurs at the canonical splice donor site of exon 9 (PVS1_strong, PM5_supporting). This variant is absent from populations in gnomAD (PM2_supporting). Splicing analysis in vitro has shown that the C allele results in skipping of exon 9, producing an abnormal in-frame transcript (PS3_supporting; PMID: 8033105, 28301459). Furthermore, this variant has been observed in at least one family meeting IGCLC criteria for HDGC (PS4_supporting; SCV000322628.7). In summary, this variant meets criteria to be classified as likely pathogenic based on the ACMG/AMP criteria applied as specified by the CDH1 Variant Curation Expert Panel (Variant Interpretation Guidelines Version 3.1): PVS1_strong, PM2_supporting, PS3_supporting, PS4_supporting, PM5_supporting.

Myriad Genetics, Inc.
Classification: Likely pathogenic for Hereditary diffuse gastric adenocarcinoma. Last evaluated: 2023-06-28. Review status: criteria provided, single submitter. Criteria: Myriad Autosomal Dominant, Autosomal Recessive and X-Linked Classification Criteria (2023). Collection method: clinical testing. Allele origin: unknown. Not counted in ClinVar's aggregate classification.
Comment: This variant is considered likely pathogenic. This variant occurs within a consensus splice junction and is predicted to result in abnormal mRNA splicing of either an out-of-frame exon or an in-frame exon necessary for protein stability and/or normal function.

GeneDx
Classification: Pathogenic. Last evaluated: 2017-05-15. Review status: criteria provided, single submitter. Criteria: GeneDx Variant Classification (06012015). Collection method: clinical testing. Allele origin: germline. Affected: yes. Not counted in ClinVar's aggregate classification.
Comment: This variant is denoted CDH1 c.1320+1G>C or IVS9+1G>C and consists of a G>C nucleotide substitution at the +1 position of intron 9 of the CDH1 gene. This variant destroys a canonical splice donor site and has been shown to result in in-frame skipping of exon 9 (Becker 1994). Even though this variant results in an in-frame transcript, this single exon deletion would result in the loss of 61 residues, which are located within the cadherin 3 domain (UniProt). Based on the currently available information, we consider CDH1 c.1320+1G>C to be pathogenic.

OMIM
Classification: Pathogenic for BLEPHAROCHEILODONTIC SYNDROME 1. Last evaluated: 2017-09-20. Review status: no assertion criteria provided. Collection method: literature only. Allele origin: germline. Not counted in ClinVar's aggregate classification.

Dr. Peter K. Rogan Lab, Western University
No classification provided (evidence only). Condition: Familial cancer of breast. Review status: no classification provided. Collection method: in vitro. Allele origin: not applicable. Functional consequence: skipped exon, retained intron. Not counted in ClinVar's aggregate classification.

Literature cited by the submitters: PubMed 28301459 (cited by OMIM).

NM_004360.5(CDH1):c.1320+1G>C

Gene: CDH1 (cadherin 1; plus strand). Cytogenetic location: 16q22.1.
Variant type: single nucleotide variant.
Coding change: c.1320+1G>C on transcript NM_004360.5 (MANE Select); the canonical splice donor site of the intron after coding-DNA position 1320, G replaced by C.
Molecular consequence: splice donor variant. On other transcripts: 5 prime UTR variant (1), intron variant (1).
Genome position (GRCh38, 1-based): chr16:68,813,496, G>C. VCF-style: chr16-68813496-G-C. GRCh37 (hg19) VCF-style: chr16-68847399-G-C.
Other names: NC_000016.9:g.68847399G>C; IVS8DS, G-C, +1; c.-295G>C (NM_001317185.2); c.-500+1G>C (NM_001317186.2); c.1137+1233G>C (NM_001317184.2).
Identifiers: ClinVar variation 265635 (VCV000265635.5), dbSNP rs886039685, ClinGen allele CA10588622.